The following is an entry in ClinVar:

NM_198721.4(COL25A1):c.367+82225_367+82226insAAAAAAAAAAAAAAAAAACAAAC

Gene: COL25A1 (collagen type XXV alpha 1 chain; minus strand). Cytogenetic location: 4q25.
Variant type: Microsatellite.
Coding change: c.367+82225_367+82226insAAAAAAAAAAAAAAAAAACAAAC on transcript NM_198721.4 (MANE Select); bases 82225 to 82226 of the intron after coding-DNA position 367, AAAAAAAAAAAAAAAAAACAAAC inserted.
Molecular consequence: intron variant.
Genome position: GRCh38 VCF-style: chr4-109218357-G-GTTTTTTTTTTGTTTGTTTTTTTT. GRCh37 (hg19) VCF-style: chr4-110139513-G-GTTTTTTTTTTGTTTGTTTTTTTT.
Other names: c.367+82225_367+82226insAAAAAAAAAAAAAAAAAACAAAC (NM_032518.4, NM_001256074.3).
Identifiers: ClinVar variation 5039655 (VCV005039655.1).

ClinVar aggregate classification (germline): Likely benign (1 of 4 stars; one submission).

Submission:

CeGaT Center for Human Genetics Tuebingen
Classification: Likely benign. Last evaluated: 2026-08-01. Review status: criteria provided, single submitter. Criteria: CeGaT Center For Human Genetics Tuebingen Variant Classification Criteria Version 2. Collection method: clinical testing. Allele origin: germline. Affected: yes. Observed: 1 variant allele.
Comment: COL25A1: BS2